The following is an entry in ClinVar:

NM_015122.3(FCHO1):c.292G>T (p.Asp98Tyr)

Gene: FCHO1 (FCH and mu domain containing endocytic adaptor 1; plus strand). Cytogenetic location: 19p13.11.
Variant type: single nucleotide variant.
Coding change: c.292G>T on transcript NM_015122.3 (MANE Select); coding-DNA position 292, G replaced by T.
Protein change: p.Asp98Tyr; replaces aspartic acid 98 with tyrosine.
Molecular consequence: missense variant. On other transcripts: non-coding transcript variant (34).
Genome position (GRCh38, 1-based): chr19:17,766,766, G>T. VCF-style: chr19-17766766-G-T. GRCh37 (hg19) VCF-style: chr19-17877575-G-T.
Other names: c.292G>T, p.Asp98Tyr (NM_001161357.2, NM_001161358.2, NM_001384370.1 and 29 more transcripts); c.142G>T, p.Asp48Tyr (NM_001161359.2, NM_001384384.1, NM_001384385.1 and 3 more transcripts); c.217G>T, p.Asp73Tyr (NM_001384390.1); short protein forms D73Y, D48Y, D98Y.
Identifiers: ClinVar variation 1969589 (VCV001969589.5), dbSNP rs1350032087, ClinGen allele CA404748290.

ClinVar aggregate classification (germline): Uncertain significance (1 of 4 stars; one submission).

Allele frequency attached by ClinVar (database versions not stated): gnomAD exomes below 0.00001; TOPMed 0.00003; gnomAD 0.00004.
gnomAD v4.1: 12 of 1,614,018 alleles (0.00074%); highest among the groups gnomAD compares: African/African-American, 0.012%; no homozygotes.

Submission:

Labcorp Genetics (formerly Invitae), Labcorp
Classification: Uncertain significance. Last evaluated: 2023-07-17. Review status: criteria provided, single submitter. Criteria: Invitae Variant Classification Sherloc (09022015). Collection method: clinical testing. Allele origin: germline.
Comment: In summary, the available evidence is currently insufficient to determine the role of this variant in disease. Therefore, it has been classified as a Variant of Uncertain Significance. Algorithms developed to predict the effect of sequence changes on RNA splicing suggest that this variant may create or strengthen a splice site. An algorithm developed to predict the effect of missense changes on protein structure and function (PolyPhen-2) suggests that this variant is likely to be disruptive. ClinVar contains an entry for this variant (Variation ID: 1969589). This variant has not been reported in the literature in individuals affected with FCHO1-related conditions. This variant is present in population databases (no rsID available, gnomAD 0.008%). This sequence change replaces aspartic acid, which is acidic and polar, with tyrosine, which is neutral and polar, at codon 98 of the FCHO1 protein (p.Asp98Tyr).